The following is an entry in ClinVar:

NM_000441.2(SLC26A4):c.2059G>T (p.Asp687Tyr)

Gene: SLC26A4 (solute carrier family 26 member 4; plus strand). Cytogenetic location: 7q22.3.
Variant type: single nucleotide variant.
Coding change: c.2059G>T on transcript NM_000441.2 (MANE Select); coding-DNA position 2059, G replaced by T.
Protein change: p.Asp687Tyr; replaces aspartic acid 687 with tyrosine.
Molecular consequence: missense variant.
Genome position (GRCh38, 1-based): chr7:107,704,355, G>T. VCF-style: chr7-107704355-G-T. GRCh37 (hg19) VCF-style: chr7-107344800-G-T.
Other names: short protein forms D687Y.
Identifiers: ClinVar variation 43535 (VCV000043535.18), dbSNP rs35548413, ClinGen allele CA132695.

ClinVar aggregate classification (germline): Uncertain significance. Review status: criteria provided, multiple submitters, no conflicts (2 of 4 stars). 8 submissions from 7 submitters: Uncertain significance (6). 2 of the submissions do not count toward it. Last evaluated 2026-07-28.

Conditions:
Pendred syndrome (PDS). Also called: Pendred's syndrome; DEAFNESS WITH GOITER; THYROID DYSHORMONOGENESIS 2B; THYROID HORMONOGENESIS, GENETIC DEFECT IN, 2B; GOITER-DEAFNESS SYNDROME; HYPOTHYROIDISM, CONGENITAL, DUE TO DYSHORMONOGENESIS, 2B. Identifiers: Orphanet 705, MedGen C0271829, MONDO:0010134, OMIM 274600.
Autosomal recessive nonsyndromic hearing loss 4 (DFNB4). Also called: FOXI1-Related Pendred Syndrome; KCNJ10-Related Pendred Syndrome; DEAFNESS, AUTOSOMAL RECESSIVE 4, WITH ENLARGED VESTIBULAR AQUEDUCT, DIGENIC; Deafness, autosomal recessive 4; Enlarged vestibular aqueduct, digenic; Deafness, autosomal recessive 4, with enlarged vestibular aqueduct. Identifiers: Orphanet 90636, MedGen C3538946, MONDO:0010933, OMIM 600791.

Allele frequency attached by ClinVar (database versions not stated): gnomAD exomes 0.00007; ExAC 0.00016; gnomAD 0.00038 and 0.00041; TOPMed 0.00041; 1000 Genomes Project 0.00080; ESP Exome Variant Server 0.00046; 1000 Genomes Project 30x 0.00094.
gnomAD v4.1: 92 of 1,399,428 alleles (0.0066%); highest among the groups gnomAD compares: African/African-American, 0.12%; 1 homozygote.

Submissions (8):

GeneDx
Classification: Uncertain significance. Last evaluated: 2026-07-28. Review status: criteria provided, single submitter. Criteria: GeneDx Variant Classification Process June 2021. Collection method: clinical testing. Allele origin: germline.
Comment: Published functional studies demonstrate a damaging effect on the ion transport activity of pendrin(PMID: 22116359); In silico analysis supports that this missense variant has a deleterious effect on protein structure/function; This variant is associated with the following publications: (PMID: 22116355, 22116359, 28941661, 36515421)

Women's Health and Genetics/Laboratory Corporation of America, LabCorp
Classification: Uncertain significance. Last evaluated: 2026-06-09. Review status: criteria provided, single submitter. Criteria: LabCorp Variant Classification Summary - May 2015. Collection method: clinical testing. Allele origin: germline.
Comment: Variant summary: SLC26A4 c.2059G>T (p.Asp687Tyr) results in a non-conservative amino acid change located in the STAS domain (IPR002645) of the encoded protein sequence. Algorithms developed to predict the effect of missense changes on protein structure and function all suggest that this variant is likely to be disruptive. The variant allele was found at a frequency of 7.5e-05 in 227856 control chromosomes, predominantly at a frequency of 0.001 within the African or African-American subpopulation in the gnomAD database, including 1 homozygote. This frequency is not significantly higher than the estimate for disease-causing variants in SLC26A4, so no conclusion can be drawn about variant significance. c.2059G>T has been observed in two unrelated individual(s) affected with non-syndromic hearing loss, without strong evidence for causality (Perry_2022, Smits_2022). These reports do not provide unequivocal conclusions about the association of the variant with disease. At least one publication reports experimental evidence evaluating an impact on protein function (Dossena_2011). The most pronounced variant effect results in >50%-90% of normal activity. The following publications have been ascertained in the context of this evaluation (PMID: 22116358, 22116359, 36515421, 34410491). ClinVar contains an entry for this variant (Variation ID: 43535). Based on the evidence outlined above, the variant was classified as uncertain significance.

Genome-Nilou Lab
Classification: Uncertain significance for Autosomal recessive nonsyndromic hearing loss 4. Last evaluated: 2021-09-05. Review status: criteria provided, single submitter. Criteria: ACMG Guidelines, 2015. Collection method: clinical testing. Allele origin: germline. Affected: no.

Genome-Nilou Lab
Classification: Uncertain significance for Pendred syndrome. Last evaluated: 2021-09-05. Review status: criteria provided, single submitter. Criteria: ACMG Guidelines, 2015. Collection method: clinical testing. Allele origin: germline. Affected: no.

Laboratory for Molecular Medicine, Mass General Brigham Personalized Medicine
Classification: Uncertain significance. Last evaluated: 2012-10-30. Review status: criteria provided, single submitter. Criteria: LMM Criteria. Collection method: clinical testing. Allele origin: germline. Observed: 1 variant allele.
Comment: Variant classified as Uncertain Significance - Favor Pathogenic. The Asp687Tyr v ariant in SLC26A4 has not been previously identified by our laboratory. One stud y has shown that the Asp687Tyr variant impacts protein function (Dossena 2011). Computational analyses (biochemical amino acid properties, conservation, AlignGV GD, PolyPhen2, and SIFT) also suggest that this variant may impact the protein, though this information is not predictive enough to determine pathogenicity. Th is variant has been identified in 0.1% (6/4376) of African American chromosomes from a broad population by the NHLBI Exome Sequencing Project (dbSNP rs35548413); however, this frequency is not high enough to rule out a pathogenic role. In summary, the clinical significance of this var iant cannot be determined with certainty; however, based upon the functional dat a, we would lean towards a more likely pathogenic role.

Breakthrough Genomics
Classification: Uncertain significance. Review status: criteria provided, single submitter. Criteria: ACMG Guidelines, 2015. Collection method: not provided. Allele origin: germline. Inheritance: Autosomal recessive inheritance. Affected: yes.

Natera, Inc.
Classification: Uncertain significance for Pendred syndrome. Last evaluated: 2020-02-19. Review status: no assertion criteria provided. Collection method: clinical testing. Allele origin: germline. Not counted in ClinVar's aggregate classification.

Counsyl
Classification: Uncertain significance for Pendred syndrome. Last evaluated: 2017-12-28. Review status: no assertion criteria provided. Collection method: clinical testing. Allele origin: unknown. Not counted in ClinVar's aggregate classification.

Literature cited by the submitters: PubMed 22116358 (cited by Women's Health and Genetics/Laboratory Corporation of America, LabCorp); PubMed 34410491 (cited by Women's Health and Genetics/Laboratory Corporation of America, LabCorp); PubMed 22116359 (cited by 3 submitters); PubMed 36515421 (cited by Women's Health and Genetics/Laboratory Corporation of America, LabCorp).